The following is an entry in ClinVar:

NM_007294.4(BRCA1):c.3152C>T (p.Thr1051Ile)

Gene: BRCA1 (BRCA1 DNA repair associated; minus strand). Cytogenetic location: 17q21.31.
Variant type: single nucleotide variant.
Coding change: c.3152C>T on transcript NM_007294.4 (MANE Select); coding-DNA position 3152, C replaced by T.
Protein change: p.Thr1051Ile; replaces threonine 1051 with isoleucine.
Molecular consequence: missense variant. On other transcripts: intron variant (137).
Genome position (GRCh38, 1-based): chr17:43,092,379, G>A on the plus strand (C>T on the coding strand, the complement: BRCA1 is on the minus strand). VCF-style: chr17-43092379-G-A. GRCh37 (hg19) VCF-style: chr17-41244396-G-A.
Other names: c.710-1347C>T (NM_001408411.1, NM_001408415.1, NM_001408412.1 and 2 more transcripts); c.578-1347C>T (NM_001408514.1, NM_001408483.1, NM_001408485.1 and 9 more transcripts); c.785-1347C>T (NM_001408392.1, NM_001407986.1, NM_001408400.1 and 13 more transcripts); c.665-1347C>T (NM_001408437.1, NM_001408429.1, NM_001408442.1 and 12 more transcripts); c.788-1347C>T (NM_001407979.1, NM_001407977.1, NM_001407980.1 and 17 more transcripts); c.3008C>T, p.Thr1003Ile (NM_001407843.1, NM_001407846.1, NM_001407847.1 and 20 more transcripts); c.662-1347C>T (NM_001408447.1, NM_001408433.1, NM_001408446.1 and 6 more transcripts); c.647-1347C>T (NM_001408410.1, NM_001408458.1, NM_001408469.1 and 11 more transcripts); and 41 more; short protein forms T1051I, T1004I, T980I, T1003I, T1009I, T1024I, T1025I, T1050I.
Identifiers: ClinVar variation 441444 (VCV000441444.10), dbSNP rs397509039, ClinGen allele CA10595677.

ClinVar aggregate classification (germline): Conflicting classifications of pathogenicity. Review status: criteria provided, conflicting classifications (1 of 4 stars). 3 submissions from 3 submitters: Uncertain significance (2); Likely benign (1). Last evaluated 2024-08-05.

Conditions:
Hereditary cancer-predisposing syndrome. Also called: Hereditary Cancer Syndrome; Hereditary neoplastic syndrome; Neoplastic Syndromes, Hereditary; Tumor predisposition. Identifiers: Orphanet 140162, MedGen C0027672, MeSH D009386, MONDO:0015356.

Submissions (3):

Color Diagnostics, LLC DBA Color Health
Classification: Uncertain significance for Hereditary cancer-predisposing syndrome. Last evaluated: 2024-08-05. Review status: criteria provided, single submitter. Criteria: ACMG Guidelines, 2015. Collection method: clinical testing. Allele origin: germline.
Comment: This missense variant replaces threonine with isoleucine at codon 1051 of the BRCA1 protein. Computational prediction is inconclusive regarding the impact of this variant on protein structure and function. To our knowledge, functional studies have not been reported for this variant. This variant has not been reported in individuals affected with BRCA1-related disorders in the literature. This variant has not been identified in the general population by the Genome Aggregation Database (gnomAD). The available evidence is insufficient to determine the role of this variant in disease conclusively. Therefore, this variant is classified as a Variant of Uncertain Significance.

University of Washington Department of Laboratory Medicine, University of Washington
Classification: Likely benign for Hereditary cancer-predisposing syndrome. Last evaluated: 2023-03-23. Review status: criteria provided, single submitter. Criteria: Dines et al. (Genet Med. 2020). Collection method: curation. Allele origin: germline.
Comment: Missense variant in a coldspot region where missense variants are very unlikely to be pathogenic (PMID:31911673).

BRCA1 coldspot (exon 11 using historical exon numbering). Reclassification based on statistical prior probability

Ambry Genetics
Classification: Uncertain significance for Hereditary cancer-predisposing syndrome. Last evaluated: 2023-02-24. Review status: criteria provided, single submitter. Criteria: Ambry Variant Classification Scheme 2023. Collection method: clinical testing. Allele origin: germline.
Comment: The p.T1051I variant (also known as c.3152C>T), located in coding exon 9 of the BRCA1 gene, results from a C to T substitution at nucleotide position 3152. The threonine at codon 1051 is replaced by isoleucine, an amino acid with similar properties. This amino acid position is well conserved in available vertebrate species. In addition, the in silico prediction for this alteration is inconclusive. Since supporting evidence is limited at this time, the clinical significance of this alteration remains unclear.